The following is an entry in ClinVar:

NM_005120.3(MED12):c.1101+3A>G

Gene: MED12 (mediator complex subunit 12; plus strand). Cytogenetic location: Xq13.1.
Variant type: single nucleotide variant.
Coding change: c.1101+3A>G on transcript NM_005120.3 (MANE Select); 3 bases into the intron after coding-DNA position 1101, A replaced by G.
Molecular consequence: intron variant.
Genome position (GRCh38, 1-based): chrX:71,121,819, A>G. VCF-style: chrX-71121819-A-G. GRCh37 (hg19) VCF-style: chrX-70341669-A-G.
Identifiers: ClinVar variation 2120116 (VCV002120116.4), dbSNP rs2092290132, ClinGen allele CA2436352643.

ClinVar aggregate classification (germline): Uncertain significance (1 of 4 stars; one submission).

Conditions:
FG syndrome (FGS). Identifiers: MedGen C0220769, MONDO:0002010.

Allele frequency attached by ClinVar (database versions not stated): gnomAD exomes below 0.00001; TOPMed 0.00001.
gnomAD v4.1: 1 of 1,212,114 alleles (0.000083%); highest among the groups gnomAD compares: Non-Finnish European, 0.00011%; no homozygotes.

Submission:

Labcorp Genetics (formerly Invitae), Labcorp
Classification: Uncertain significance for FG syndrome. Last evaluated: 2022-04-01. Review status: criteria provided, single submitter. Criteria: Invitae Variant Classification Sherloc (09022015). Collection method: clinical testing. Allele origin: germline.
Comment: This variant has not been reported in the literature in individuals affected with MED12-related conditions. This variant is not present in population databases (gnomAD no frequency). This sequence change falls in intron 7 of the MED12 gene. It does not directly change the encoded amino acid sequence of the MED12 protein. It affects a nucleotide within the consensus splice site. Variants that disrupt the consensus splice site are a relatively common cause of aberrant splicing (PMID: 17576681, 9536098). Algorithms developed to predict the effect of sequence changes on RNA splicing suggest that this variant is not likely to affect RNA splicing. In summary, the available evidence is currently insufficient to determine the role of this variant in disease. Therefore, it has been classified as a Variant of Uncertain Significance.

Literature cited by the submitters: PubMed 17576681; PubMed 9536098.